The following is an entry in ClinVar:

ClinVar aggregate classification (germline): Uncertain significance (1 of 4 stars; one submission).

Submission:

Labcorp Genetics (formerly Invitae), Labcorp
Classification: Uncertain significance. Last evaluated: 2023-12-11. Review status: criteria provided, single submitter. Criteria: Invitae Variant Classification Sherloc (09022015). Collection method: clinical testing. Allele origin: germline.
Comment: This sequence change replaces aspartic acid, which is acidic and polar, with glutamic acid, which is acidic and polar, at codon 155 of the TRMT10A protein (p.Asp155Glu). This variant is not present in population databases (gnomAD no frequency). This variant has not been reported in the literature in individuals affected with TRMT10A-related conditions. ClinVar contains an entry for this variant (Variation ID: 1715737). Advanced modeling of protein sequence and biophysical properties (such as structural, functional, and spatial information, amino acid conservation, physicochemical variation, residue mobility, and thermodynamic stability) performed at Invitae indicates that this missense variant is not expected to disrupt TRMT10A protein function with a negative predictive value of 80%. In summary, the available evidence is currently insufficient to determine the role of this variant in disease. Therefore, it has been classified as a Variant of Uncertain Significance.

NM_001134665.3(TRMT10A):c.465T>G (p.Asp155Glu)

Gene: TRMT10A (tRNA methyltransferase 10A; minus strand). Cytogenetic location: 4q23.
Variant type: single nucleotide variant.
Coding change: c.465T>G on transcript NM_001134665.3 (MANE Select); coding-DNA position 465, T replaced by G.
Protein change: p.Asp155Glu; replaces aspartic acid 155 with glutamic acid.
Molecular consequence: missense variant.
Genome position (GRCh38, 1-based): chr4:99,556,176, A>C on the plus strand (T>G on the coding strand, the complement: TRMT10A is on the minus strand). VCF-style: chr4-99556176-A-C. GRCh37 (hg19) VCF-style: chr4-100477333-A-C.
Other names: c.465T>G, p.Asp155Glu (NM_001134666.3, NM_001375880.1, NM_001375881.1 and 2 more transcripts); short protein forms D155E.
Identifiers: ClinVar variation 1715737 (VCV001715737.6), dbSNP rs1045468807, ClinGen allele CA357510121.
Genomic context (GRCh38, chr4:99,556,176, plus strand): 5'-ATTATGTGAGAGTTTATCTGTTTTAATTACCTTCCAGTTGACCCATCCTTTGTCATTTTC[A>C]TCCATGTTCTTTTTCAGCTGGCCTCCGTGGCTTGTCAAGTAAAACTGATAAAAGATTTGT-3'
Protein context (NP_001128137.1, residues 145-165): SHGGQLKKNM[Asp155Glu]ENDKGWVNWK